The following is an entry in ClinVar:

NM_139058.3(ARX):c.456C>G (p.Ala152=)

Genes: ARX (aristaless related homeobox; minus strand), LOC109610631 (aristaless related homeobox polyalanine expansion region; plus strand). Cytogenetic location: Xp21.3.
Variant type: single nucleotide variant.
Coding change: c.456C>G on transcript NM_139058.3 (MANE Select); coding-DNA position 456, C replaced by G.
Protein change: p.Ala152=; no amino-acid change (alanine 152 retained).
Molecular consequence: synonymous variant.
Genome position (GRCh38, 1-based): chrX:25,013,539, G>C on the plus strand (C>G on the coding strand, the complement: ARX is on the minus strand). VCF-style: chrX-25013539-G-C. GRCh37 (hg19) VCF-style: chrX-25031656-G-C.
Identifiers: ClinVar variation 2571359 (VCV002571359.27), dbSNP rs2048712208, ClinGen allele CA515947667.

ClinVar aggregate classification (germline): Likely benign (1 of 4 stars; one submission).

Submission:

CeGaT Center for Human Genetics Tuebingen
Classification: Likely benign. Last evaluated: 2026-05-01. Review status: criteria provided, single submitter. Criteria: CeGaT Center For Human Genetics Tuebingen Variant Classification Criteria Version 2. Collection method: clinical testing. Allele origin: germline. Affected: yes. Observed: 4 variant alleles.
Comment: ARX: PM2:Supporting, BP4, BP7